The following is an entry in ClinVar:

ClinVar aggregate classification (germline): Likely pathogenic (1 of 4 stars; one submission).

Conditions:
Primary ciliary dyskinesia 3. Identifiers: Orphanet 244, MedGen C1837618, MONDO:0012085, OMIM 608644.

Submission:

Dasa
Classification: Likely pathogenic for Primary ciliary dyskinesia 3. Last evaluated: 2025-11-03. Review status: criteria provided, single submitter. Criteria: DASA Assertion Criteria. Collection method: clinical testing. Allele origin: germline.
Comment: NM_001369.3(DNAH5):c.7813_7822del (p.Ser2605Ilefs*6) is a frameshift variant in DNAH5 predicted to alter the reading frame and introduce a premature termination codon and is predicted to result in an absent or altered protein product. Loss of function is an established disease mechanism for DNAH5-associated disorders. Also, this variant is absent from population databases. Based on the currently available evidence, this variant is classified as likely pathogenic.

NM_001369.3(DNAH5):c.7813_7822del (p.Ser2605fs)

Gene: DNAH5 (dynein axonemal heavy chain 5; minus strand). Cytogenetic location: 5p15.2.
Variant type: Deletion.
Coding change: c.7813_7822del on transcript NM_001369.3 (MANE Select); coding-DNA positions 7813 to 7822, 10 bases deleted (TCAAAATATG; older notation c.7813_7822delTCAAAATATG).
Protein change: p.Ser2605fs; shifts the reading frame from serine 2605.
Molecular consequence: frameshift variant.
Genome position (GRCh38, 1-based): chr5:13,807,656-13,807,665, CATATTTTGA deleted on the plus strand (TCAAAATATG on the coding strand, the reverse complement: DNAH5 is on the minus strand); deleting any 10 consecutive bases within chr5:13,807,656-13,807,669 gives the same sequence; the c. name uses the placement nearest the transcript's 3' end. VCF-style (leftmost placement, unchanged base first): chr5-13807655-TCATATTTTGA-T. GRCh37 (hg19) VCF-style: chr5-13807764-TCATATTTTGA-T.
Other names: short protein forms S2605fs.
Identifiers: ClinVar variation 4880785 (VCV004880785.2).